The following is an entry in ClinVar:

ClinVar aggregate classification (germline): Uncertain significance. Review status: criteria provided, multiple submitters, no conflicts (2 of 4 stars). 2 submissions from 2 submitters: Uncertain significance (2). Last evaluated 2023-07-14.

Conditions:
Hereditary cancer-predisposing syndrome. Also called: Tumor predisposition; Hereditary Cancer Syndrome; Hereditary neoplastic syndrome; Neoplastic Syndromes, Hereditary. Identifiers: Orphanet 140162, MedGen C0027672, MeSH D009386, MONDO:0015356.
Pheochromocytoma. Also called: MAX-Related Hereditary Paraganglioma-Pheochromocytoma Syndrome. Identifiers: Orphanet 29072, MedGen C0031511, MONDO:0008233, OMIM 171300, HP:0002666.
Gastrointestinal stromal tumor. Also called: Gastrointestinal stroma tumor; Gastrointestinal stromal tumor, somatic. Identifiers: Orphanet 44890, MedGen C0238198, MeSH D046152, MONDO:0011719, OMIM 606764, HP:0100723.
Pheochromocytoma/paraganglioma syndrome 4. Also called: CAROTID BODY TUMORS AND MULTIPLE EXTRAADRENAL PHEOCHROMOCYTOMAS; PARAGANGLIOMA, FAMILIAL MALIGNANT; PARAGANGLIOMAS, HEREDITARY EXTRAADRENAL; PHEOCHROMOCYTOMA, FAMILIAL EXTRAADRENAL; Paragangliomas 4; SDHB-Related Hereditary Paraganglioma-Pheochromocytoma Syndrome (Paragangliomas 4). Identifiers: Orphanet 29072, MedGen C1861848, MONDO:0007273, OMIM 115310.

Submissions (2):

Ambry Genetics
Classification: Uncertain significance for Hereditary cancer-predisposing syndrome. Last evaluated: 2023-07-14. Review status: criteria provided, single submitter. Criteria: Ambry Variant Classification Scheme 2023. Collection method: clinical testing. Allele origin: germline.
Comment: The p.L87V variant (also known as c.259T>G), located in coding exon 3 of the SDHB gene, results from a T to G substitution at nucleotide position 259. The leucine at codon 87 is replaced by valine, an amino acid with highly similar properties. This amino acid position is highly conserved in available vertebrate species. In addition, this alteration is predicted to be deleterious by in silico analysis. Since supporting evidence is limited at this time, the clinical significance of this alteration remains unclear.

Labcorp Genetics (formerly Invitae), Labcorp
Classification: Uncertain significance for Gastrointestinal stromal tumor; Pheochromocytoma/paraganglioma syndrome 4; Pheochromocytoma. Last evaluated: 2023-04-18. Review status: criteria provided, single submitter. Criteria: Invitae Variant Classification Sherloc (09022015). Collection method: clinical testing. Allele origin: germline.
Comment: In summary, the available evidence is currently insufficient to determine the role of this variant in disease. Therefore, it has been classified as a Variant of Uncertain Significance. This variant disrupts the p.Leu87 amino acid residue in SDHB. Other variant(s) that disrupt this residue have been determined to be pathogenic (PMID: 11404820, 12807974, 15328326, 19454582, 22517557). This suggests that this residue is clinically significant, and that variants that disrupt this residue are likely to be disease-causing. Advanced modeling of protein sequence and biophysical properties (such as structural, functional, and spatial information, amino acid conservation, physicochemical variation, residue mobility, and thermodynamic stability) performed at Invitae indicates that this missense variant is not expected to disrupt SDHB protein function. ClinVar contains an entry for this variant (Variation ID: 2018824). This variant has not been reported in the literature in individuals affected with SDHB-related conditions. This variant is not present in population databases (gnomAD no frequency). This sequence change replaces leucine, which is neutral and non-polar, with valine, which is neutral and non-polar, at codon 87 of the SDHB protein (p.Leu87Val).

Literature cited by the submitters: PubMed 11404820 (cited by Labcorp Genetics (formerly Invitae), Labcorp); PubMed 12807974 (cited by Labcorp Genetics (formerly Invitae), Labcorp); PubMed 15328326 (cited by Labcorp Genetics (formerly Invitae), Labcorp); PubMed 19454582 (cited by Labcorp Genetics (formerly Invitae), Labcorp); PubMed 22517557 (cited by Labcorp Genetics (formerly Invitae), Labcorp).

NM_003000.3(SDHB):c.259T>G (p.Leu87Val)

Gene: SDHB (succinate dehydrogenase complex iron sulfur subunit B; minus strand). Cytogenetic location: 1p36.13.
Variant type: single nucleotide variant.
Coding change: c.259T>G on transcript NM_003000.3 (MANE Select); coding-DNA position 259, T replaced by G.
Protein change: p.Leu87Val; replaces leucine 87 with valine.
Molecular consequence: missense variant.
Genome position (GRCh38, 1-based): chr1:17,033,087, A>C on the plus strand (T>G on the coding strand, the complement: SDHB is on the minus strand). VCF-style: chr1-17033087-A-C. GRCh37 (hg19) VCF-style: chr1-17359582-A-C.
Other names: c.259T>G, p.Leu87Val (NM_001407361.1); short protein forms L87V.
Identifiers: ClinVar variation 2018824 (VCV002018824.6), dbSNP rs2525031469, ClinGen allele CA338276478.